The following is an entry in ClinVar:

NM_000548.5(TSC2):c.4582G>T (p.Glu1528Ter)

Gene: TSC2 (TSC complex subunit 2; plus strand). Cytogenetic location: 16p13.3.
Variant type: single nucleotide variant.
Coding change: c.4582G>T on transcript NM_000548.5 (MANE Select); coding-DNA position 4582, G replaced by T.
Protein change: p.Glu1528Ter; replaces glutamic acid 1528 with a stop codon.
Molecular consequence: nonsense. On other transcripts: non-coding transcript variant (5).
Genome position (GRCh38, 1-based): chr16:2,085,242, G>T. VCF-style: chr16-2085242-G-T. GRCh37 (hg19) VCF-style: chr16-2135243-G-T.
Other names: c.3781G>T, p.Glu1261Ter (NM_001406687.1, NM_001406688.1); c.3169G>T, p.Glu1057Ter (NM_001406689.1); c.3109G>T, p.Glu1037Ter (NM_001406690.1); c.3106G>T, p.Glu1036Ter (NM_001406691.1); c.3040G>T, p.Glu1014Ter (NM_001406692.1, NM_001406693.1, NM_001406694.1); c.3037G>T, p.Glu1013Ter (NM_001406695.1, NM_001406696.1, NM_001406697.1); c.2779G>T, p.Glu927Ter (NM_001406698.1); c.4453G>T, p.Glu1485Ter (NM_021055.3, NM_001370405.1); and 26 more; short protein forms E1013*, E1014*, E1036*, E1037*, E1057*, E1261*, E1262*, E1284*.
Identifiers: ClinVar variation 2500105 (VCV002500105.2), dbSNP rs2090622255, ClinGen allele CA394304416.
Genomic context (GRCh38, chr16:2,085,242, plus strand): 5'-TCCTGTGGACGGGCGTCTGGGGCTCAGGCAGGGCTCTGTGTGCCACAGTCACAGTCCTTT[G>T]AGCGGTCGGTGCAGCTCCTCGACCAGATCCCATCATACGACACCCACAAGATCGCCGTCC-3'

ClinVar aggregate classification (germline): Pathogenic (1 of 4 stars; one submission).

Conditions:
Lymphangiomyomatosis (LAM). Also called: Lymphangioleiomyomatosis; Lymphangioleiomyomatosis, somatic. Identifiers: Orphanet 538, MedGen C0751674, MONDO:0011705, OMIM 606690.
Isolated focal cortical dysplasia type II (FCORD2). Also called: Focal cortical dysplasia type II; CORTICAL DYSPLASIA OF TAYLOR. Identifiers: Orphanet 268994, MedGen C1846385, MONDO:0011818, OMIM 607341, HP:0032051.
Tuberous sclerosis 2 (TSC2). Identifiers: Orphanet 805, MedGen C1860707, MONDO:0013199, OMIM 613254.

Submission:

Center for Genomics, Ann and Robert H. Lurie Children's Hospital of Chicago
Classification: Pathogenic for Lymphangiomyomatosis; Isolated focal cortical dysplasia type II; Tuberous sclerosis 2. Review status: criteria provided, single submitter. Criteria: ACMG Guidelines, 2015. Collection method: clinical testing. Allele origin: germline.
Comment: This variant has been reported in the literature in 1 individual with a clinical suspicion or diagnosis of tuberous sclerosis (Meng 2020 PMID:32917966). This variant is not present in large control databases. Evolutionary conservation and computational predictive tools for this variant are limited or unavailable. This variant creates a premature stop at this codon which results in an absent or abnormal protein; loss of function variants are a known mechanism of disease for this gene (Rosset 2017 PMID:28222202). In summary, this variant is classified as pathogenic.